The following is an entry in ClinVar:

ClinVar aggregate classification (germline): Uncertain significance. Review status: criteria provided, multiple submitters, no conflicts (2 of 4 stars). 3 submissions from 3 submitters: Uncertain significance (3). Last evaluated 2023-12-22.

Conditions:
Hereditary cancer-predisposing syndrome. Also called: Hereditary neoplastic syndrome; Neoplastic Syndromes, Hereditary; Tumor predisposition; Hereditary Cancer Syndrome. Identifiers: Orphanet 140162, MedGen C0027672, MeSH D009386, MONDO:0015356.
Rhabdoid tumor predisposition syndrome 1 (RTPS1). Also called: Familial Posterior Fossa Brain Tumor of Infancy. Identifiers: Orphanet 231108, Orphanet 69077, MedGen C1836327, MONDO:0012252, OMIM 609322.

gnomAD v4.1: 2 of 1,601,198 alleles (0.00012%); highest among the groups gnomAD compares: Non-Finnish European, 0.00017%; no homozygotes.

Submissions (3):

Ambry Genetics
Classification: Uncertain significance for Hereditary cancer-predisposing syndrome. Last evaluated: 2023-12-22. Review status: criteria provided, single submitter. Criteria: Ambry Variant Classification Scheme 2023. Collection method: clinical testing. Allele origin: germline.
Comment: The p.M27V variant (also known as c.79A>G), located in coding exon 1 of the SMARCB1 gene, results from an A to G substitution at nucleotide position 79. The methionine at codon 27 is replaced by valine, an amino acid with highly similar properties. Missense and in-frame variants in SMARCB1 are known to cause neurodevelopmental disorders; however, such associations with rhabdoid tumor predisposition syndrome are exceedingly rare (Kosho T et al. Am J Med Genet C Semin Med Genet. 2014 Sep;166C(3):262-75; Eaton KW et al. Pediatr Blood Cancer. 2011 Jan;56(1):7-15). This amino acid position is highly conserved in available vertebrate species. In addition, the in silico prediction for this alteration is inconclusive. Since supporting evidence is limited at this time, the clinical significance of this alteration remains unclear.

Baylor Genetics
Classification: Uncertain significance for Rhabdoid tumor predisposition syndrome 1. Last evaluated: 2023-10-09. Review status: criteria provided, single submitter. Criteria: ACMG Guidelines, 2015. Collection method: clinical testing. Allele origin: unknown.

Labcorp Genetics (formerly Invitae), Labcorp
Classification: Uncertain significance. Last evaluated: 2023-08-30. Review status: criteria provided, single submitter. Criteria: Invitae Variant Classification Sherloc (09022015). Collection method: clinical testing. Allele origin: germline.
Comment: This variant is not present in population databases (gnomAD no frequency). In summary, the available evidence is currently insufficient to determine the role of this variant in disease. Therefore, it has been classified as a Variant of Uncertain Significance. An algorithm developed to predict the effect of missense changes on protein structure and function (PolyPhen-2) suggests that this variant is likely to be tolerated. ClinVar contains an entry for this variant (Variation ID: 941247). This variant has not been reported in the literature in individuals affected with SMARCB1-related conditions. This sequence change replaces methionine, which is neutral and non-polar, with valine, which is neutral and non-polar, at codon 27 of the SMARCB1 protein (p.Met27Val).

NM_003073.5(SMARCB1):c.79A>G (p.Met27Val)

Gene: SMARCB1 (SWI/SNF related BAF chromatin remodeling complex subunit B1; plus strand). Cytogenetic location: 22q11.23.
Variant type: single nucleotide variant.
Coding change: c.79A>G on transcript NM_003073.5 (MANE Select); coding-DNA position 79, A replaced by G.
Protein change: p.Met27Val; replaces methionine 27 with valine.
Molecular consequence: missense variant.
Genome position (GRCh38, 1-based): chr22:23,787,248, A>G. VCF-style: chr22-23787248-A-G. GRCh37 (hg19) VCF-style: chr22-24129435-A-G.
Other names: c.79A>G, p.Met27Val (NM_001007468.3, NM_001317946.2, NM_001362877.2); short protein forms M27V.
Identifiers: ClinVar variation 941247 (VCV000941247.11), dbSNP rs762676176, ClinGen allele CA410930945.